The following is an entry in ClinVar:

ClinVar aggregate classification (germline): Uncertain significance (1 of 4 stars; one submission).

Conditions:
Congenital myasthenic syndrome 8. Also called: Myasthenic syndrome, congenital, 8, with pre- and postsynaptic defects; MYASTHENIC SYNDROME, CONGENITAL, DUE TO AGRIN DEFICIENCY. Identifiers: Orphanet 590, MedGen C3808739, MONDO:0014052, OMIM 615120.

Allele frequency attached by ClinVar (database versions not stated): gnomAD 0.00001; gnomAD exomes 0.00002; ExAC 0.00003.

Submission:

Labcorp Genetics (formerly Invitae), Labcorp
Classification: Uncertain significance for Congenital myasthenic syndrome 8. Last evaluated: 2022-07-19. Review status: criteria provided, single submitter. Criteria: Invitae Variant Classification Sherloc (09022015). Collection method: clinical testing. Allele origin: germline.
Comment: In summary, the available evidence is currently insufficient to determine the role of this variant in disease. Therefore, it has been classified as a Variant of Uncertain Significance. Algorithms developed to predict the effect of missense changes on protein structure and function are either unavailable or do not agree on the potential impact of this missense change (SIFT: "Deleterious"; PolyPhen-2: "Possibly Damaging"; Align-GVGD: "Class C0"). ClinVar contains an entry for this variant (Variation ID: 1508225). This variant has not been reported in the literature in individuals affected with AGRN-related conditions. This variant is present in population databases (rs774527175, gnomAD 0.01%). This sequence change replaces proline, which is neutral and non-polar, with leucine, which is neutral and non-polar, at codon 168 of the AGRN protein (p.Pro168Leu).

NM_198576.4(AGRN):c.503C>T (p.Pro168Leu)

Gene: AGRN (agrin; plus strand). Cytogenetic location: 1p36.33.
Variant type: single nucleotide variant.
Coding change: c.503C>T on transcript NM_198576.4 (MANE Select); coding-DNA position 503, C replaced by T.
Protein change: p.Pro168Leu; replaces proline 168 with leucine.
Molecular consequence: missense variant.
Genome position (GRCh38, 1-based): chr1:1,035,316, C>T. VCF-style: chr1-1035316-C-T. GRCh37 (hg19) VCF-style: chr1-970696-C-T.
Other names: c.503C>T, p.Pro168Leu (NM_001305275.2); c.188C>T, p.Pro63Leu (NM_001364727.2); short protein forms P63L, P168L.
Identifiers: ClinVar variation 1508225 (VCV001508225.8), dbSNP rs774527175, ClinGen allele CA507862.